The following is an entry in ClinVar:

ClinVar aggregate classification (germline): Uncertain significance (1 of 4 stars; one submission).

Conditions:
Cenani-Lenz syndactyly syndrome. Also called: CENANI SYNDACTYLISM; SYNDACTYLY, TYPE VII. Identifiers: Orphanet 3258, MedGen C1859309, MONDO:0008931, OMIM 212780.
Congenital myasthenic syndrome 17. Identifiers: Orphanet 590, MedGen C4225377, MONDO:0014578, OMIM 616304.
Sclerosteosis 2 (SOST2). Identifiers: Orphanet 3152, MedGen C3280402, MONDO:0013679, OMIM 614305.

Allele frequency attached by ClinVar (database versions not stated): gnomAD exomes below 0.00001; TOPMed below 0.00001.
gnomAD v4.1: 3 of 1,614,140 alleles (0.00019%); highest among the groups gnomAD compares: African/African-American, 0.0027%; no homozygotes.

Submissions (2):

Labcorp Genetics (formerly Invitae), Labcorp
Classification: Uncertain significance for Cenani-Lenz syndactyly syndrome; Sclerosteosis 2; Congenital myasthenic syndrome 17. Last evaluated: 2023-10-27. Review status: criteria provided, single submitter. Criteria: Invitae Variant Classification Sherloc (09022015). Collection method: clinical testing. Allele origin: germline.
Comment: This sequence change replaces alanine, which is neutral and non-polar, with valine, which is neutral and non-polar, at codon 697 of the LRP4 protein (p.Ala697Val). The frequency data for this variant in the population databases is considered unreliable, as metrics indicate poor data quality at this position in the gnomAD database. This variant has not been reported in the literature in individuals affected with LRP4-related conditions. An algorithm developed to predict the effect of missense changes on protein structure and function (PolyPhen-2) suggests that this variant is likely to be tolerated. Algorithms developed to predict the effect of sequence changes on RNA splicing suggest that this variant may disrupt the consensus splice site. In summary, the available evidence is currently insufficient to determine the role of this variant in disease. Therefore, it has been classified as a Variant of Uncertain Significance.

Dr. Peter K. Rogan Lab, Western University
No classification provided (evidence only). Condition: Glioma susceptibility 1. Review status: no classification provided. Collection method: in vitro. Allele origin: not applicable. Functional consequence: retained intron. Not counted in ClinVar's aggregate classification.

NM_002334.4(LRP4):c.2090C>T (p.Ala697Val)

Gene: LRP4 (LDL receptor related protein 4; minus strand). Cytogenetic location: 11p11.2.
Variant type: single nucleotide variant.
Coding change: c.2090C>T on transcript NM_002334.4 (MANE Select); coding-DNA position 2090, C replaced by T.
Protein change: p.Ala697Val; replaces alanine 697 with valine.
Molecular consequence: missense variant.
Genome position (GRCh38, 1-based): chr11:46,889,946, G>A on the plus strand (C>T on the coding strand, the complement: LRP4 is on the minus strand). VCF-style: chr11-46889946-G-A. GRCh37 (hg19) VCF-style: chr11-46911497-G-A.
Other names: short protein forms A697V.
Identifiers: ClinVar variation 2932951 (VCV002932951.4), dbSNP rs1002301696, ClinGen allele CA221643178.